The following is an entry in ClinVar:

NM_001286611.2(REPS1):c.800A>G (p.Glu267Gly)

Gene: REPS1 (RALBP1 associated Eps domain containing 1; minus strand). Cytogenetic location: 6q24.1.
Variant type: single nucleotide variant.
Coding change: c.800A>G on transcript NM_001286611.2 (MANE Select); coding-DNA position 800, A replaced by G.
Protein change: p.Glu267Gly; replaces glutamic acid 267 with glycine.
Molecular consequence: missense variant.
Genome position (GRCh38, 1-based): chr6:138,943,969, T>C on the plus strand (A>G on the coding strand, the complement: REPS1 is on the minus strand). VCF-style: chr6-138943969-T-C. GRCh37 (hg19) VCF-style: chr6-139265106-T-C.
Other names: c.800A>G, p.Glu267Gly (NM_001128617.3, NM_001286612.2, NM_031922.5); short protein forms E267G.
Identifiers: ClinVar variation 2157164 (VCV002157164.4), dbSNP rs2483006995, ClinGen allele CA365814179.

ClinVar aggregate classification (germline): Uncertain significance (1 of 4 stars; one submission).

Submission:

Labcorp Genetics (formerly Invitae), Labcorp
Classification: Uncertain significance. Last evaluated: 2022-06-27. Review status: criteria provided, single submitter. Criteria: Invitae Variant Classification Sherloc (09022015). Collection method: clinical testing. Allele origin: germline.
Comment: This sequence change replaces glutamic acid, which is acidic and polar, with glycine, which is neutral and non-polar, at codon 267 of the REPS1 protein (p.Glu267Gly). This variant is not present in population databases (gnomAD no frequency). This variant has not been reported in the literature in individuals affected with REPS1-related conditions. Algorithms developed to predict the effect of missense changes on protein structure and function are either unavailable or do not agree on the potential impact of this missense change (SIFT: "Deleterious"; PolyPhen-2: "Probably Damaging"; Align-GVGD: "Class C0"). In summary, the available evidence is currently insufficient to determine the role of this variant in disease. Therefore, it has been classified as a Variant of Uncertain Significance.